The following is an entry in ClinVar:

ClinVar aggregate classification (germline): Uncertain significance. Review status: criteria provided, multiple submitters, no conflicts (2 of 4 stars). 5 submissions from 5 submitters: Uncertain significance (4). 1 of the submissions does not count toward it. Last evaluated 2025-04-10.

Conditions:
Decreased circulating carnitine concentration. Also called: Decreased plasma carnitine. Identifiers: MedGen C5848230, HP:0003234.
Inborn genetic diseases. Identifiers: MedGen C0950123, MeSH D030342.
Renal carnitine transport defect (CDSP). Also called: Carnitine transporter deficiency; Carnitine Deficiency, Systemic; Systemic primary carnitine deficiency disease; Primary carnitine deficiency; Systemic primary carnitine deficiency; CARNITINE DEFICIENCY, SYSTEMIC, DUE TO DEFECT IN RENAL REABSORPTION OF CARNITINE. Identifiers: Orphanet 158, MedGen C0342788, MONDO:0008919, OMIM 212140.

Allele frequency attached by ClinVar (database versions not stated): gnomAD exomes below 0.00001.
gnomAD v4.1: 2 of 1,590,952 alleles (0.00013%); highest among the groups gnomAD compares: African/African-American, 0.0013%; no homozygotes.

Submissions (5):

Ambry Genetics
Classification: Uncertain significance for Inborn genetic diseases. Last evaluated: 2025-04-10. Review status: criteria provided, single submitter. Criteria: Ambry Variant Classification Scheme 2023. Collection method: clinical testing. Allele origin: germline.

Labcorp Genetics (formerly Invitae), Labcorp
Classification: Uncertain significance for Renal carnitine transport defect. Last evaluated: 2021-09-01. Review status: criteria provided, single submitter. Criteria: Invitae Variant Classification Sherloc (09022015). Collection method: clinical testing. Allele origin: germline.
Comment: This sequence change replaces proline with serine at codon 78 of the SLC22A5 protein (p.Pro78Ser). The proline residue is moderately conserved and there is a moderate physicochemical difference between proline and serine. This variant is not present in population databases (ExAC no frequency). This variant has not been reported in the literature in individuals affected with SLC22A5-related conditions. Algorithms developed to predict the effect of missense changes on protein structure and function (SIFT, PolyPhen-2, Align-GVGD) all suggest that this variant is likely to be tolerated. In summary, the available evidence is currently insufficient to determine the role of this variant in disease. Therefore, it has been classified as a Variant of Uncertain Significance.

Genome-Nilou Lab
Classification: Uncertain significance for Renal carnitine transport defect. Last evaluated: 2021-07-15. Review status: criteria provided, single submitter. Criteria: ACMG Guidelines, 2015. Collection method: clinical testing. Allele origin: germline. Affected: no.

GeneDx
Classification: Uncertain significance. Last evaluated: 2020-01-27. Review status: criteria provided, single submitter. Criteria: GeneDx Variant Classification Process June 2021. Collection method: clinical testing. Allele origin: germline. Affected: yes.
Comment: In silico analysis, which includes protein predictors and evolutionary conservation, supports that this variant does not alter protein structure/function; Has not been previously published as pathogenic or benign to our knowledge

Natera, Inc.
Classification: Uncertain significance for Carnitine deficiency. Last evaluated: 2021-07-14. Review status: no assertion criteria provided. Collection method: clinical testing. Allele origin: germline. Not counted in ClinVar's aggregate classification.

NM_003060.4(SLC22A5):c.232C>T (p.Pro78Ser)

Gene: SLC22A5 (solute carrier family 22 member 5; plus strand). Cytogenetic location: 5q31.1.
Variant type: single nucleotide variant.
Coding change: c.232C>T on transcript NM_003060.4 (MANE Select); coding-DNA position 232, C replaced by T.
Protein change: p.Pro78Ser; replaces proline 78 with serine.
Molecular consequence: missense variant.
Genome position (GRCh38, 1-based): chr5:132,370,204, C>T. VCF-style: chr5-132370204-C-T. GRCh37 (hg19) VCF-style: chr5-131705896-C-T.
Other names: c.232C>T, p.Pro78Ser (NM_001308122.2); short protein forms P78S.
Identifiers: ClinVar variation 860218 (VCV000860218.16), dbSNP rs1485828747, ClinGen allele CA360802638.